The following is an entry in ClinVar:

ClinVar aggregate classification (germline): Uncertain significance (1 of 4 stars; one submission).

Submission:

GeneDx
Classification: Uncertain significance. Last evaluated: 2024-09-23. Review status: criteria provided, single submitter. Criteria: GeneDx Variant Classification Process June 2021. Collection method: clinical testing. Allele origin: germline.
Comment: Not observed at significant frequency in large population cohorts (gnomAD); In silico analysis supports that this missense variant has a deleterious effect on protein structure/function; Has not been previously published as pathogenic or benign to our knowledge

NM_000540.3(RYR1):c.4007G>T (p.Arg1336Leu)

Gene: RYR1 (ryanodine receptor 1; plus strand). Cytogenetic location: 19q13.2.
Variant type: single nucleotide variant.
Coding change: c.4007G>T on transcript NM_000540.3 (MANE Select); coding-DNA position 4007, G replaced by T.
Protein change: p.Arg1336Leu; replaces arginine 1336 with leucine.
Molecular consequence: missense variant.
Genome position (GRCh38, 1-based): chr19:38,473,618, G>T. VCF-style: chr19-38473618-G-T. GRCh37 (hg19) VCF-style: chr19-38964258-G-T.
Other names: c.4007G>T, p.Arg1336Leu (NM_001042723.2); short protein forms R1336L.
Identifiers: ClinVar variation 2430406 (VCV002430406.2), dbSNP rs779727096, ClinGen allele CA405642565.